The following is an entry in ClinVar:

NM_004764.5(PIWIL1):c.1580G>A (p.Arg527Lys)

Gene: PIWIL1 (piwi like RNA-mediated gene silencing 1; plus strand). Cytogenetic location: 12q24.33.
Variant type: single nucleotide variant.
Coding change: c.1580G>A on transcript NM_004764.5 (MANE Select); coding-DNA position 1580, G replaced by A.
Protein change: p.Arg527Lys; replaces arginine 527 with lysine.
Molecular consequence: missense variant.
Genome position (GRCh38, 1-based): chr12:130,357,093, G>A. VCF-style: chr12-130357093-G-A. GRCh37 (hg19) VCF-style: chr12-130841638-G-A.
Other names: c.1580G>A, p.Arg527Lys (NM_001190971.2); short protein forms R527K.
Identifiers: ClinVar variation 3055830 (VCV003055830.2), dbSNP rs1106042, ClinGen allele CA6877295.

ClinVar aggregate classification (germline): Benign (0 of 4 stars; one submission).

Conditions:
PIWIL1-related disorder. Also called: PIWIL1-related condition.

Allele frequency attached by ClinVar (database versions not stated): ESP Exome Variant Server 0.04759; TOPMed 0.04931; gnomAD 0.05549; gnomAD exomes 0.06706; ExAC 0.07954; 1000 Genomes Project 30x 0.08760; 1000 Genomes Project 0.08826.
gnomAD v4.1: 106,258 of 1,608,668 alleles (6.6%); highest among the groups gnomAD compares: South Asian, 19%; 4,817 homozygotes.

Submission:

PreventionGenetics, part of Exact Sciences
Classification: Benign for PIWIL1-related condition. Last evaluated: 2019-04-09. Review status: no assertion criteria provided. Collection method: clinical testing. Allele origin: germline.
Comment: This variant is classified as benign based on ACMG/AMP sequence variant interpretation guidelines (Richards et al. 2015 PMID: 25741868, with internal and published modifications).